The following is an entry in ClinVar:

ClinVar aggregate classification (germline): Pathogenic. Review status: criteria provided, multiple submitters, no conflicts (2 of 4 stars). 3 submissions from 3 submitters: Pathogenic (3). Last evaluated 2025-05-12.

Conditions:
Deficiency of UDPglucose-hexose-1-phosphate uridylyltransferase. Also called: GALACTOSE-1-PHOSPHATE URIDYLYLTRANSFERASE DEFICIENCY; GALT deficiency; Galactosemia, classic; GALACTOSEMIA I; Transferase Deficiency Galactosemia. Identifiers: Orphanet 352, Orphanet 79239, MedGen C0268151, MONDO:0009258, OMIM 230400.

Submissions (3):

Mayo Clinic Laboratories, Mayo Clinic
Classification: Pathogenic. Last evaluated: 2025-05-12. Review status: criteria provided, single submitter. Criteria: ACMG Guidelines, 2015. Collection method: clinical testing. Allele origin: germline. Observed: 1 variant allele.
Comment: PP4, PM2_supporting, PVS1

Baylor Genetics
Classification: Pathogenic for Deficiency of UDPglucose-hexose-1-phosphate uridylyltransferase. Last evaluated: 2024-03-14. Review status: criteria provided, single submitter. Criteria: ACMG Guidelines, 2015. Collection method: clinical testing. Allele origin: unknown.

Eurofins Ntd Llc (ga)
Classification: Pathogenic. Last evaluated: 2015-10-09. Review status: criteria provided, single submitter. Criteria: EGL Classification Definitions 2015. Collection method: clinical testing. Allele origin: germline. Observed: 2 variant alleles, 2 heterozygotes.

Literature cited by the submitters: PubMed 23690308 (cited by Mayo Clinic Laboratories, Mayo Clinic).

NM_000155.4(GALT):c.71_72insA (p.Phe24fs)

Gene: GALT (galactose-1-phosphate uridylyltransferase; plus strand). Cytogenetic location: 9p13.3.
Variant type: Insertion.
Coding change: c.71_72insA on transcript NM_000155.4 (MANE Select); coding-DNA positions 71 to 72, A inserted.
Protein change: p.Phe24fs; shifts the reading frame from phenylalanine 24.
Molecular consequence: frameshift variant. On other transcripts: 5 prime UTR variant (1).
Genome position: GRCh38 VCF-style: chr9-34646775-T-TA. GRCh37 (hg19) VCF-style: chr9-34646772-T-TA.
Other names: p.Phe24Leufs*17; c.-132_-131insA (NM_001258332.2); short protein forms F24fs.
Identifiers: ClinVar variation 280965 (VCV000280965.7), dbSNP rs886042061, ClinGen allele CA10603759.